The following is an entry in ClinVar:

NM_024874.5(KIAA0319L):c.1689G>A (p.Ala563=)

Gene: KIAA0319L (KIAA0319 like; minus strand). Cytogenetic location: 1p34.3.
Variant type: single nucleotide variant.
Coding change: c.1689G>A on transcript NM_024874.5 (MANE Select); coding-DNA position 1689, G replaced by A.
Protein change: p.Ala563=; no amino-acid change (alanine 563 retained).
Molecular consequence: synonymous variant.
Genome position (GRCh38, 1-based): chr1:35,454,453, C>T on the plus strand (G>A on the coding strand, the complement: KIAA0319L is on the minus strand). VCF-style: chr1-35454453-C-T. GRCh37 (hg19) VCF-style: chr1-35920054-C-T.
Identifiers: ClinVar variation 4873797 (VCV004873797.2).
Genomic context (GRCh38, chr1:35,454,453, plus strand): 5'-GGCCTGCTGTCCTATTGTGTCAGTCACTGTGAGCTGGTAAGTGTAGTCTCCTTCTTGCAT[C>T]GCAGAGAGCTGTAAGGTTGGTGTTCTAACACCCTACAAATACAAATACAGAAGTGGAAAA-3'
Protein context (NP_079150.3, residues 553-573): GVRTPTLQLS[Ala563=]MQEGDYTYQL

ClinVar aggregate classification (germline): Likely benign (1 of 4 stars; one submission).

gnomAD v4.1: 11 of 1,614,042 alleles (0.00068%); highest among the groups gnomAD compares: South Asian, 0.0033%; no homozygotes.

Submission:

CeGaT Center for Human Genetics Tuebingen
Classification: Likely benign. Last evaluated: 2026-06-01. Review status: criteria provided, single submitter. Criteria: CeGaT Center For Human Genetics Tuebingen Variant Classification Criteria Version 2. Collection method: clinical testing. Allele origin: germline. Affected: yes. Observed: 1 variant allele.
Comment: KIAA0319L: BP4, BP7